The following is an entry in ClinVar:

ClinVar aggregate classification (germline): Likely benign (1 of 4 stars; one submission).

Allele frequency attached by ClinVar (database versions not stated): gnomAD exomes below 0.00001.

Submission:

CeGaT Center for Human Genetics Tuebingen
Classification: Likely benign. Last evaluated: 2026-08-01. Review status: criteria provided, single submitter. Criteria: CeGaT Center For Human Genetics Tuebingen Variant Classification Criteria Version 2. Collection method: clinical testing. Allele origin: germline. Affected: yes. Observed: 4 variant alleles.
Comment: BTBD17: BP4, BP7

NM_001080466.2(BTBD17):c.819A>C (p.Ala273=)

Gene: BTBD17 (BTB domain containing 17; minus strand). Cytogenetic location: 17q25.1.
Variant type: single nucleotide variant.
Coding change: c.819A>C on transcript NM_001080466.2 (MANE Select); coding-DNA position 819, A replaced by C.
Protein change: p.Ala273=; no amino-acid change (alanine 273 retained).
Molecular consequence: synonymous variant.
Genome position (GRCh38, 1-based): chr17:74,357,275, T>G on the plus strand (A>C on the coding strand, the complement: BTBD17 is on the minus strand). VCF-style: chr17-74357275-T-G. GRCh37 (hg19) VCF-style: chr17-72353414-T-G.
Identifiers: ClinVar variation 3250585 (VCV003250585.18), dbSNP rs2509858318.